The following is an entry in ClinVar:

ClinVar aggregate classification (germline): Uncertain significance (1 of 4 stars; one submission).

gnomAD v4.1: 5 of 1,613,538 alleles (0.00031%); highest among the groups gnomAD compares: South Asian, 0.0022%; no homozygotes.

Submission:

Labcorp Genetics (formerly Invitae), Labcorp
Classification: Uncertain significance. Last evaluated: 2025-07-23. Review status: criteria provided, single submitter. Criteria: Invitae Variant Classification Sherloc (09022015). Collection method: clinical testing. Allele origin: germline.
Comment: This sequence change replaces arginine, which is basic and polar, with histidine, which is basic and polar, at codon 409 of the PHF21A protein (p.Arg409His). This variant is present in population databases (rs775314606, gnomAD 0.003%). This variant has not been reported in the literature in individuals affected with PHF21A-related conditions. An algorithm developed to predict the effect of missense changes on protein structure and function (PolyPhen-2) suggests that this variant is likely to be disruptive. In summary, the available evidence is currently insufficient to determine the role of this variant in disease. Therefore, it has been classified as a Variant of Uncertain Significance.

NM_001352027.3(PHF21A):c.1229G>A (p.Arg410His)

Gene: PHF21A (PHD finger protein 21A; minus strand). Cytogenetic location: 11p11.2.
Variant type: single nucleotide variant.
Coding change: c.1229G>A on transcript NM_001352027.3 (MANE Select); coding-DNA position 1229, G replaced by A.
Protein change: p.Arg410His; replaces arginine 410 with histidine.
Molecular consequence: missense variant. On other transcripts: non-coding transcript variant (2).
Genome position (GRCh38, 1-based): chr11:45,948,945, C>T on the plus strand (G>A on the coding strand, the complement: PHF21A is on the minus strand). VCF-style: chr11-45948945-C-T. GRCh37 (hg19) VCF-style: chr11-45970496-C-T.
Other names: c.1226G>A, p.Arg409His (NM_001101802.3, NM_001352030.3, NM_001352031.3 and 2 more transcripts); c.1229G>A, p.Arg410His (NM_001352025.3, NM_001352026.3, NM_001352028.1 and 3 more transcripts); c.1250G>A, p.Arg417His (NM_001441167.1, NM_001441168.1); c.1247G>A, p.Arg416His (NM_001441169.1); c.977G>A, p.Arg326His (NM_001441172.1); short protein forms R409H, R416H, R417H, R326H, R410H.
Identifiers: ClinVar variation 4781913 (VCV004781913.1).